The following is an entry in ClinVar:

NM_000329.3(RPE65):c.1307G>A (p.Gly436Glu)

Gene: RPE65 (retinoid isomerohydrolase RPE65; minus strand). Cytogenetic location: 1p31.3.
Variant type: single nucleotide variant.
Coding change: c.1307G>A on transcript NM_000329.3 (MANE Select); coding-DNA position 1307, G replaced by A.
Protein change: p.Gly436Glu; replaces glycine 436 with glutamic acid.
Molecular consequence: missense variant.
Genome position (GRCh38, 1-based): chr1:68,431,313, C>T on the plus strand (G>A on the coding strand, the complement: RPE65 is on the minus strand). VCF-style: chr1-68431313-C-T. GRCh37 (hg19) VCF-style: chr1-68896996-C-T.
Other names: short protein forms G436E.
Identifiers: ClinVar variation 1055647 (VCV001055647.10), dbSNP rs62637002, ClinGen allele CA340742458.

ClinVar aggregate classification (germline): Uncertain significance. Review status: criteria provided, multiple submitters, no conflicts (2 of 4 stars). 2 submissions from 2 submitters: Uncertain significance (2). Last evaluated 2025-01-06.

Conditions:
Retinitis pigmentosa 87 with choroidal involvement. Identifiers: MedGen C5231465, MONDO:0032873, OMIM 618697.
Leber congenital amaurosis 2 (LCA2). Also called: AMAUROSIS CONGENITA OF LEBER II; Autosomal Recessive RPE65-Related Retinal Degeneration. Identifiers: Orphanet 65, MedGen C1859844, MONDO:0008765, OMIM 204100. Disease mechanism: loss of function.
Retinitis pigmentosa 20 (RP20). Identifiers: Orphanet 791, MedGen C3151086, MONDO:0013425, OMIM 613794.

Submissions (2):

Labcorp Genetics (formerly Invitae), Labcorp
Classification: Uncertain significance for Leber congenital amaurosis 2; Retinitis pigmentosa 20. Last evaluated: 2025-01-06. Review status: criteria provided, single submitter. Criteria: Invitae Variant Classification Sherloc (09022015). Collection method: clinical testing. Allele origin: germline.
Comment: This sequence change replaces glycine, which is neutral and non-polar, with glutamic acid, which is acidic and polar, at codon 436 of the RPE65 protein (p.Gly436Glu). This variant is not present in population databases (gnomAD no frequency). This missense change has been observed in individual(s) with clinical features of autosomal recessive RPE65-related conditions (PMID: 38002999). ClinVar contains an entry for this variant (Variation ID: 1055647). Invitae Evidence Modeling of protein sequence and biophysical properties (such as structural, functional, and spatial information, amino acid conservation, physicochemical variation, residue mobility, and thermodynamic stability) indicates that this missense variant is expected to disrupt RPE65 protein function with a positive predictive value of 80%. This variant disrupts the p.Gly436 amino acid residue in RPE65. Other variant(s) that disrupt this residue have been observed in individuals with RPE65-related conditions (PMID: 11095629), which suggests that this may be a clinically significant amino acid residue. In summary, the available evidence is currently insufficient to determine the role of this variant in disease. Therefore, it has been classified as a Variant of Uncertain Significance.

Department of Pathology and Laboratory Medicine, Sinai Health System
Classification: Uncertain significance for Leber congenital amaurosis 2; Retinitis pigmentosa 20; Retinitis pigmentosa 87 with choroidal involvement. Last evaluated: 2023-02-15. Review status: criteria provided, single submitter. Criteria: ACMG Guidelines, 2015. Collection method: research. Allele origin: germline.

Literature cited by the submitters: PubMed 38002999 (cited by Labcorp Genetics (formerly Invitae), Labcorp); PubMed 11095629 (cited by Labcorp Genetics (formerly Invitae), Labcorp).